The following is an entry in ClinVar:

NM_001822.7(CHN1):c.62A>G (p.Tyr21Cys)

Gene: CHN1 (chimerin 1; minus strand). Cytogenetic location: 2q31.1.
Variant type: single nucleotide variant.
Coding change: c.62A>G on transcript NM_001822.7 (MANE Select); coding-DNA position 62, A replaced by G.
Protein change: p.Tyr21Cys; replaces tyrosine 21 with cysteine.
Molecular consequence: missense variant. On other transcripts: non-coding transcript variant (1), intron variant (1).
Genome position (GRCh38, 1-based): chr2:174,944,940, T>C on the plus strand (A>G on the coding strand, the complement: CHN1 is on the minus strand). VCF-style: chr2-174944940-T-C. GRCh37 (hg19) VCF-style: chr2-175809668-T-C.
Other names: NR_038133.2:n.219A>G; c.62A>G, p.Tyr21Cys (NM_001025201.4, NM_001371513.1); c.58+7224A>G (NM_001371514.1); short protein forms Y21C.
Identifiers: ClinVar variation 3061808 (VCV003061808.1), dbSNP rs2469191562, ClinGen allele CA349689273.

ClinVar aggregate classification (germline): Uncertain significance (1 of 4 stars; one submission).

Conditions:
Duane retraction syndrome 2. Identifiers: Orphanet 233, MedGen C0751083, MONDO:0011444, OMIM 604356.

Submission:

Broad Center for Mendelian Genomics, Broad Institute of MIT and Harvard
Classification: Uncertain significance for Duane retraction syndrome 2. Last evaluated: 2024-03-12. Review status: criteria provided, single submitter. Criteria: ACMG Guidelines, 2015. Collection method: curation. Allele origin: germline. Inheritance: Autosomal dominant inheritance.
Comment: The p.Tyr21Cys variant in CHN1 has not been previously reported in individuals with Duane Retraction syndrome. This variant is absent from large population studies. Computational prediction tools and conservation analyses do not provide strong support for or against an impact to the protein. In summary, the clinical significance of the p.Tyr21Cys variant is uncertain. ACMG/AMP Criteria applied: PM2_supporting, PM6_supporting (Richards 2015).

Literature cited by the submitters: PubMed 39033378.